The following is an entry in ClinVar:

NM_001165963.4(SCN1A):c.1153G>A (p.Glu385Lys)

Gene: SCN1A (sodium voltage-gated channel alpha subunit 1; minus strand). Cytogenetic location: 2q24.3.
Variant type: single nucleotide variant.
Coding change: c.1153G>A on transcript NM_001165963.4 (MANE Select); coding-DNA position 1153, G replaced by A.
Protein change: p.Glu385Lys; replaces glutamic acid 385 with lysine.
Molecular consequence: missense variant. On other transcripts: 5 prime UTR variant (1), non-coding transcript variant (1).
Genome position (GRCh38, 1-based): chr2:166,047,644, C>T on the plus strand (G>A on the coding strand, the complement: SCN1A is on the minus strand). VCF-style: chr2-166047644-C-T. GRCh37 (hg19) VCF-style: chr2-166904154-C-T.
Other names: c.1153G>A, p.Glu385Lys (NM_001165964.3, NM_001202435.3, NM_001353948.2 and 10 more transcripts); c.-1273G>A (NM_001353961.2); short protein forms E385K.
Identifiers: ClinVar variation 2159360 (VCV002159360.4), dbSNP rs796052972, ClinGen allele CA317205.

ClinVar aggregate classification (germline): Pathogenic (1 of 4 stars; one submission).

Conditions:
Early-infantile DEE. Also called: Ohtahara syndrome; Early infantile epileptic encephalopathy with suppression bursts; Early infantile epileptic encephalopathy. Identifiers: Orphanet 1934, MedGen C0393706, MONDO:0800491.

Submission:

Labcorp Genetics (formerly Invitae), Labcorp
Classification: Pathogenic for Early-infantile DEE. Last evaluated: 2022-09-19. Review status: criteria provided, single submitter. Criteria: Invitae Variant Classification Sherloc (09022015). Collection method: clinical testing. Allele origin: germline.
Comment: This sequence change replaces glutamic acid, which is acidic and polar, with lysine, which is basic and polar, at codon 385 of the SCN1A protein (p.Glu385Lys). This variant is not present in population databases (gnomAD no frequency). This missense change has been observed in individual(s) with Dravet syndrome and/or SCN1A-related conditions (PMID: 29655203, 31864146). In at least one individual the variant was observed to be de novo. Advanced modeling of protein sequence and biophysical properties (such as structural, functional, and spatial information, amino acid conservation, physicochemical variation, residue mobility, and thermodynamic stability) performed at Invitae indicates that this missense variant is expected to disrupt SCN1A protein function. This variant disrupts the p.Glu385 amino acid residue in SCN1A. Other variant(s) that disrupt this residue have been determined to be pathogenic (Invitae). This suggests that this residue is clinically significant, and that variants that disrupt this residue are likely to be disease-causing. For these reasons, this variant has been classified as Pathogenic.

Literature cited by the submitters: PubMed 29655203; PubMed 31864146.